The following is an entry in ClinVar:

NM_198253.3(TERT):c.553C>T (p.Arg185Trp)

Gene: TERT (telomerase reverse transcriptase; minus strand). Cytogenetic location: 5p15.33.
Variant type: single nucleotide variant.
Coding change: c.553C>T on transcript NM_198253.3 (MANE Select); coding-DNA position 553, C replaced by T.
Protein change: p.Arg185Trp; replaces arginine 185 with tryptophan.
Molecular consequence: missense variant. On other transcripts: non-coding transcript variant (2).
Genome position (GRCh38, 1-based): chr5:1,294,333, G>A on the plus strand (C>T on the coding strand, the complement: TERT is on the minus strand). VCF-style: chr5-1294333-G-A. GRCh37 (hg19) VCF-style: chr5-1294448-G-A.
Other names: c.553C>T, p.Arg185Trp (NM_001193376.3); short protein forms R185W.
Identifiers: ClinVar variation 567104 (VCV000567104.12), dbSNP rs770436206, ClinGen allele CA3184959.
Genomic context (GRCh38, chr5:1,294,333, plus strand): 5'-GGTTCCAGGCCCGTTCGCATCCCAGACGCCTTCGGGGTCCACTAGCGTGTGGCGGGGGCC[G>A]GGCCTGAGTGGCAGCGCCGAGCTGGTACAGCGGCGGCCCGCACACCTGGTAGGCGCAGCT-3'
Protein context (NP_937983.2, residues 175-195): LYQLGAATQA[Arg185Trp]PPPHASGPRR

ClinVar aggregate classification (germline): Conflicting classifications of pathogenicity. Review status: criteria provided, conflicting classifications (1 of 4 stars). 4 submissions from 4 submitters: Uncertain significance (1); Likely benign (3). Last evaluated 2025-08-15.

Conditions:
Idiopathic Pulmonary Fibrosis. Also called: Idiopathic fibrosing alveolitis, chronic form; idiopathic fibrosing alveolitis. Identifiers: Orphanet 2032, MedGen C1800706, MeSH D054990, MONDO:0800504.
Dyskeratosis congenita, autosomal dominant 2. Identifiers: MedGen C3151443, MONDO:0013521, OMIM 613989.
Dyskeratosis congenita. Identifiers: Orphanet 1775, MedGen C0265965, MONDO:0015780.

Allele frequency attached by ClinVar (database versions not stated): TOPMed 0.00001; ExAC 0.00002; gnomAD exomes 0.00004.
gnomAD v4.1: 26 of 1,579,854 alleles (0.0016%); highest among the groups gnomAD compares: South Asian, 0.023%; 1 homozygote.

Submissions (4):

Labcorp Genetics (formerly Invitae), Labcorp
Classification: Likely benign for Dyskeratosis congenita, autosomal dominant 2; Idiopathic Pulmonary Fibrosis. Last evaluated: 2025-08-15. Review status: criteria provided, single submitter. Criteria: Invitae Variant Classification Sherloc (09022015). Collection method: clinical testing. Allele origin: germline.

Blueprint Genetics
Classification: Likely benign. Last evaluated: 2022-01-14. Review status: criteria provided, single submitter. Criteria: ACMG Guidelines, 2015. Collection method: clinical testing. Allele origin: germline.

Ambry Genetics
Classification: Likely benign for Dyskeratosis congenita. Last evaluated: 2019-09-24. Review status: criteria provided, single submitter. Criteria: Ambry Variant Classification Scheme 2023. Collection method: clinical testing. Allele origin: germline.

Neuberg Centre For Genomic Medicine, NCGM
Classification: Uncertain significance for Dyskeratosis congenita, autosomal dominant 2. Review status: criteria provided, single submitter. Criteria: ACMG Guidelines, 2015. Collection method: clinical testing. Allele origin: germline. Inheritance: Autosomal dominant inheritance. Affected: yes.
Comment: The missense variant p.R185W in TERT (NM_198253.3) has not been reported previously as a pathogenic variant nor as a benign variant, to our knowledge. It has been submitted to ClinVar as Uncertain Significance. There is a moderate physicochemical difference between arginine and tryptophan. The p.R185W missense variant is predicted to be tolerated by both SIFT or PolyPhen2. The nucleotide c.553 in TERT is not conserved according to a GERP++ and PhyloP analysis of 100 vertebrates. For these reasons, this variant has been classified as Uncertain Significance.